The following is an entry in ClinVar:

NM_025114.4(CEP290):c.4435G>T (p.Glu1479Ter)

Gene: CEP290 (centrosomal protein 290; minus strand). Cytogenetic location: 12q21.32.
Variant type: single nucleotide variant.
Coding change: c.4435G>T on transcript NM_025114.4 (MANE Select); coding-DNA position 4435, G replaced by T.
Protein change: p.Glu1479Ter; replaces glutamic acid 1479 with a stop codon.
Molecular consequence: nonsense.
Genome position (GRCh38, 1-based): chr12:88,086,041, C>A on the plus strand (G>T on the coding strand, the complement: CEP290 is on the minus strand). VCF-style: chr12-88086041-C-A. GRCh37 (hg19) VCF-style: chr12-88479818-C-A.
Other names: short protein forms E1479*.
Identifiers: ClinVar variation 3751156 (VCV003751156.3).
Genomic context (GRCh38, chr12:88,086,041, plus strand): 5'-AAAGCCCCCCAAACATACCAAATAATACACTAATCAAAATGCAAATTCTTCTAATTACCT[C>A]TTCTAGTGATTTGCAAGTTGCCCGTGTTTCTAGAATTATTCGAATGTTCTCCTTAATTTT-3'

ClinVar aggregate classification (germline): Pathogenic. Review status: criteria provided, multiple submitters, no conflicts (2 of 4 stars). 2 submissions from 2 submitters: Pathogenic (2). Last evaluated 2026-07-19.

Conditions:
CEP290-related ciliopathy. Also called: CEP290 ciliopathy. Identifiers: MedGen CN305601, MONDO:0100451.
Joubert syndrome. Also called: JOUBERT-BOLTSHAUSER SYNDROME; Familial aplasia of the vermis. Identifiers: Orphanet 475, MedGen C5979921, MONDO:0018772.
Nephronophthisis. Also called: Juvenile Nephronophthisis. Identifiers: Orphanet 655, MedGen C0687120, MONDO:0019005, HP:0000090.
Meckel-Gruber syndrome. Also called: DYSENCEPHALIA SPLANCHNOCYSTICA; GRUBER SYNDROME; Dysencephalia splachnocystica. Identifiers: Orphanet 564, MedGen C0265215, MONDO:0018921.

Submissions (2):

Myriad Genetics, Inc.
Classification: Pathogenic for CEP290-related ciliopathy. Last evaluated: 2026-07-19. Review status: criteria provided, single submitter. Criteria: Myriad Autosomal Dominant, Autosomal Recessive and X-Linked Classification Criteria (2023). Collection method: clinical testing. Allele origin: unknown.
Comment: NM_025114.3(CEP290):c.4435G>T(E1479*) is expected to be pathogenic in the context of CEP290-related disorders. This variant is predicted to lead to an abnormal or absent protein product due to the creation of a premature termination codon in CEP290, a gene where loss-of-function variants are known to be pathogenic. Please note: this variant was assessed in the context of healthy population screening.

Labcorp Genetics (formerly Invitae), Labcorp
Classification: Pathogenic for Joubert syndrome; Meckel-Gruber syndrome; Nephronophthisis. Last evaluated: 2024-05-14. Review status: criteria provided, single submitter. Criteria: Invitae Variant Classification Sherloc (09022015). Collection method: clinical testing. Allele origin: germline.
Comment: This sequence change creates a premature translational stop signal (p.Glu1479*) in the CEP290 gene. It is expected to result in an absent or disrupted protein product. Loss-of-function variants in CEP290 are known to be pathogenic (PMID: 16909394, 17345604, 20690115). This variant is not present in population databases (gnomAD no frequency). This variant has not been reported in the literature in individuals affected with CEP290-related conditions. For these reasons, this variant has been classified as Pathogenic.

Literature cited by the submitters: PubMed 16909394 (cited by Labcorp Genetics (formerly Invitae), Labcorp); PubMed 17345604 (cited by Labcorp Genetics (formerly Invitae), Labcorp); PubMed 20690115 (cited by Labcorp Genetics (formerly Invitae), Labcorp).